The following is an entry in ClinVar:

NM_006118.4(HAX1):c.184GGCTTC[3] (p.Phe65_Ser66insGlyPhe)

Gene: HAX1 (HCLS1 associated protein X-1; plus strand). Cytogenetic location: 1q21.3.
Variant type: Microsatellite.
Coding change: c.184GGCTTC[3] on transcript NM_006118.4 (MANE Select); three copies in a row of the 6-base unit GGCTTC starting at c.184; the reference has two copies in a row; one copy, 6 bases duplicated.
Protein change: p.Phe65_Ser66insGlyPhe.
Molecular consequence: inframe insertion. On other transcripts: intron variant (1).
Genome position (GRCh38, 1-based): chr1:154,273,472-154,273,477, GGCTTC duplicated; duplicating any 6 consecutive bases within chr1:154,273,466-154,273,477 gives the same sequence; the position shown is the placement nearest the transcript's 3' end. VCF-style (leftmost placement, unchanged base first): chr1-154273465-T-TGGCTTC. GRCh37 (hg19) VCF-style: chr1-154245941-T-TGGCTTC.
Other names: c.54-14GGCTTC[3] (NM_001018837.2).
Identifiers: ClinVar variation 3023270 (VCV003023270.3), dbSNP rs780370176, ClinGen allele CA1127284.

ClinVar aggregate classification (germline): Uncertain significance (1 of 4 stars; one submission).

Conditions:
Kostmann syndrome (SCN3). Also called: Autosomal recessive severe congenital neutropenia type 3; KOSTMANN DISEASE. Identifiers: Orphanet 99749, MedGen C5235141, MONDO:0012548, OMIM 610738.

Submission:

Labcorp Genetics (formerly Invitae), Labcorp
Classification: Uncertain significance for Kostmann syndrome. Last evaluated: 2024-08-13. Review status: criteria provided, single submitter. Criteria: Invitae Variant Classification Sherloc (09022015). Collection method: clinical testing. Allele origin: germline.
Comment: This variant, c.190_195dup, results in the insertion of 2 amino acid(s) of the HAX1 protein (p.Gly64_Phe65dup), but otherwise preserves the integrity of the reading frame. This variant is present in population databases (rs780370176, gnomAD 0.007%). This variant has not been reported in the literature in individuals affected with HAX1-related conditions. Experimental studies and prediction algorithms are not available or were not evaluated, and the functional significance of this variant is currently unknown. In summary, the available evidence is currently insufficient to determine the role of this variant in disease. Therefore, it has been classified as a Variant of Uncertain Significance.